The following is an entry in ClinVar:

ClinVar aggregate classification (germline): Uncertain significance (1 of 4 stars; one submission).

Conditions:
Cataract 21 multiple types. Also called: CATARACT 21, MULTIPLE TYPES, WITH OR WITHOUT MICROCORNEA; CATARACT 21, CERULEAN, WITH OR WITHOUT MICROCORNEA; CATARACT 21, MULTIPLE TYPES, WITH MICROCORNEA; Cataract, congenital, cerulean type, 4. Identifiers: Orphanet 91492, MedGen C1857768, MONDO:0012437, OMIM 610202.
Ayme-Gripp syndrome. Also called: Aymé-Gripp Syndrome. Identifiers: MedGen C1832812, MONDO:0010992, OMIM 601088.

Allele frequency attached by ClinVar (database versions not stated): gnomAD exomes 0.00005; TOPMed 0.00007; gnomAD 0.00011; 1000 Genomes Project 30x 0.00016.
gnomAD v4.1: 73 of 1,229,386 alleles (0.0059%); highest among the groups gnomAD compares: East Asian, 0.05%; no homozygotes.

Submission:

Labcorp Genetics (formerly Invitae), Labcorp
Classification: Uncertain significance for Cataract 21 multiple types; Ayme-Gripp syndrome. Last evaluated: 2025-06-19. Review status: criteria provided, single submitter. Criteria: Invitae Variant Classification Sherloc (09022015). Collection method: clinical testing. Allele origin: germline.
Comment: This sequence change replaces glutamic acid, which is acidic and polar, with aspartic acid, which is acidic and polar, at codon 156 of the MAF protein (p.Glu156Asp). This variant is present in population databases (no rsID available, gnomAD 0.2%), and has an allele count higher than expected for a pathogenic variant. This variant has not been reported in the literature in individuals affected with MAF-related conditions. ClinVar contains an entry for this variant (Variation ID: 2064881). Invitae Evidence Modeling of protein sequence and biophysical properties (such as structural, functional, and spatial information, amino acid conservation, physicochemical variation, residue mobility, and thermodynamic stability) indicates that this missense variant is not expected to disrupt MAF protein function with a negative predictive value of 80%. In summary, the available evidence is currently insufficient to determine the role of this variant in disease. Therefore, it has been classified as a Variant of Uncertain Significance.

NM_005360.5(MAF):c.468G>C (p.Glu156Asp)

Gene: MAF (MAF bZIP transcription factor; minus strand). Cytogenetic location: 16q23.2.
Variant type: single nucleotide variant.
Coding change: c.468G>C on transcript NM_005360.5 (MANE Select); coding-DNA position 468, G replaced by C.
Protein change: p.Glu156Asp; replaces glutamic acid 156 with aspartic acid.
Molecular consequence: missense variant.
Genome position (GRCh38, 1-based): chr16:79,599,435, C>G on the plus strand (G>C on the coding strand, the complement: MAF is on the minus strand). VCF-style: chr16-79599435-C-G. GRCh37 (hg19) VCF-style: chr16-79633332-C-G.
Other names: c.468G>C, p.Glu156Asp (NM_001031804.3); short protein forms E156D.
Identifiers: ClinVar variation 2064881 (VCV002064881.4), dbSNP rs1183759983, ClinGen allele CA396535892.